The following is an entry in ClinVar:

NM_002474.3(MYH11):c.3858+14G>C

Gene: MYH11 (myosin heavy chain 11; minus strand). Cytogenetic location: 16p13.11.
Variant type: single nucleotide variant.
Coding change: c.3858+14G>C on transcript NM_002474.3 (MANE Select); 14 bases into the intron after coding-DNA position 3858, G replaced by C.
Molecular consequence: intron variant.
Genome position (GRCh38, 1-based): chr16:15,726,834, C>G on the plus strand (G>C on the coding strand, the complement: MYH11 is on the minus strand). VCF-style: chr16-15726834-C-G. GRCh37 (hg19) VCF-style: chr16-15820691-C-G.
Other names: c.3858+14G>C (NM_022844.3); c.3879+14G>C (NM_001040114.2, NM_001040113.2).
Identifiers: ClinVar variation 513679 (VCV000513679.2), dbSNP rs71376096, ClinGen allele CA278609252.

ClinVar aggregate classification (germline): Likely benign. Review status: criteria provided, multiple submitters, no conflicts (2 of 4 stars). 2 submissions from 2 submitters: Likely benign (2). Last evaluated 2025-11-05.

Conditions:
Aortic aneurysm, familial thoracic 4 (AAT4). Also called: AORTIC ANEURYSM/AORTIC DISSECTION AND PATENT DUCTUS ARTERIOSUS. Identifiers: MedGen C1851504, MONDO:0007568, OMIM 132900.

Allele frequency attached by ClinVar (database versions not stated): TOPMed 0.00002; ESP Exome Variant Server 0.00008.

Submissions (2):

Labcorp Genetics (formerly Invitae), Labcorp
Classification: Likely benign for Aortic aneurysm, familial thoracic 4. Last evaluated: 2025-11-05. Review status: criteria provided, single submitter. Criteria: Invitae Variant Classification Sherloc (09022015). Collection method: clinical testing. Allele origin: germline.

GeneDx
Classification: Likely benign. Last evaluated: 2017-12-05. Review status: criteria provided, single submitter. Criteria: GeneDx Variant Classification (06012015). Collection method: clinical testing. Allele origin: germline. Affected: yes.
Comment: This variant is considered likely benign or benign based on one or more of the following criteria: it is a conservative change, it occurs at a poorly conserved position in the protein, it is predicted to be benign by multiple in silico algorithms, and/or has population frequency not consistent with disease.